The following is an entry in ClinVar:

NM_182493.3(MYLK3):c.983G>A (p.Gly328Asp)

Gene: MYLK3 (myosin light chain kinase 3; minus strand). Cytogenetic location: 16q11.2.
Variant type: single nucleotide variant.
Coding change: c.983G>A on transcript NM_182493.3 (MANE Select); coding-DNA position 983, G replaced by A.
Protein change: p.Gly328Asp; replaces glycine 328 with aspartic acid.
Molecular consequence: missense variant. On other transcripts: intron variant (1).
Genome position (GRCh38, 1-based): chr16:46,737,729, C>T on the plus strand (G>A on the coding strand, the complement: MYLK3 is on the minus strand). VCF-style: chr16-46737729-C-T. GRCh37 (hg19) VCF-style: chr16-46771641-C-T.
Other names: c.-23+2328G>A (NM_001308301.1); short protein forms G328D.
Identifiers: ClinVar variation 1387285 (VCV001387285.8), dbSNP rs1336760816, ClinGen allele CA395793837.

ClinVar aggregate classification (germline): Uncertain significance (1 of 4 stars; one submission).

Allele frequency attached by ClinVar (database versions not stated): gnomAD exomes below 0.00001 and 0.00001; TOPMed 0.00001.
gnomAD v4.1: 6 of 1,602,242 alleles (0.00037%); highest among the groups gnomAD compares: Admixed American, 0.0033%; no homozygotes.

Submission:

Labcorp Genetics (formerly Invitae), Labcorp
Classification: Uncertain significance. Last evaluated: 2025-12-14. Review status: criteria provided, single submitter. Criteria: Invitae Variant Classification Sherloc (09022015). Collection method: clinical testing. Allele origin: germline.
Comment: This sequence change replaces glycine, which is neutral and non-polar, with aspartic acid, which is acidic and polar, at codon 328 of the MYLK3 protein (p.Gly328Asp). This variant is present in population databases (no rsID available, gnomAD 0.006%). This variant has not been reported in the literature in individuals affected with MYLK3-related conditions. ClinVar contains an entry for this variant (Variation ID: 1387285). An algorithm developed to predict the effect of missense changes on protein structure and function outputs the following: PolyPhen-2: "Benign". The aspartic acid amino acid residue is found in multiple mammalian species, which suggests that this missense change does not adversely affect protein function. In summary, the available evidence is currently insufficient to determine the role of this variant in disease. Therefore, it has been classified as a Variant of Uncertain Significance.